The following is an entry in ClinVar:

ClinVar aggregate classification (germline): Uncertain significance (1 of 4 stars; one submission).

Conditions:
Rubinstein-Taybi syndrome due to EP300 haploinsufficiency. Also called: EP300-Related Rubinstein-Taybi Syndrome; RUBINSTEIN-TAYBI SYNDROME 2. Identifiers: Orphanet 353284, Orphanet 783, MedGen C3150941, MONDO:0013364, OMIM 613684.

Submission:

Labcorp Genetics (formerly Invitae), Labcorp
Classification: Uncertain significance for Rubinstein-Taybi syndrome due to EP300 haploinsufficiency. Last evaluated: 2022-08-12. Review status: criteria provided, single submitter. Criteria: Invitae Variant Classification Sherloc (09022015). Collection method: clinical testing. Allele origin: germline.
Comment: This sequence change replaces methionine, which is neutral and non-polar, with valine, which is neutral and non-polar, at codon 1654 of the EP300 protein (p.Met1654Val). This variant is not present in population databases (gnomAD no frequency). This variant has not been reported in the literature in individuals affected with EP300-related conditions. Advanced modeling of protein sequence and biophysical properties (such as structural, functional, and spatial information, amino acid conservation, physicochemical variation, residue mobility, and thermodynamic stability) performed at Invitae indicates that this missense variant is not expected to disrupt EP300 protein function. In summary, the available evidence is currently insufficient to determine the role of this variant in disease. Therefore, it has been classified as a Variant of Uncertain Significance.

NM_001429.4(EP300):c.4960A>G (p.Met1654Val)

Gene: EP300 (EP300 lysine acetyltransferase; plus strand). Cytogenetic location: 22q13.2.
Variant type: single nucleotide variant.
Coding change: c.4960A>G on transcript NM_001429.4 (MANE Select); coding-DNA position 4960, A replaced by G.
Protein change: p.Met1654Val; replaces methionine 1654 with valine.
Molecular consequence: missense variant.
Genome position (GRCh38, 1-based): chr22:41,176,427, A>G. VCF-style: chr22-41176427-A-G. GRCh37 (hg19) VCF-style: chr22-41572431-A-G.
Other names: c.4882A>G, p.Met1628Val (NM_001362843.2); short protein forms M1654V, M1628V.
Identifiers: ClinVar variation 2023697 (VCV002023697.4), dbSNP rs1319384976, ClinGen allele CA411707444.